The following is an entry in ClinVar:

ClinVar aggregate classification (germline): Uncertain significance (1 of 4 stars; one submission).

Allele frequency attached by ClinVar (database versions not stated): gnomAD exomes below 0.00001; TOPMed 0.00001.
gnomAD v4.1: 1 of 1,614,184 alleles (0.000062%); highest among the groups gnomAD compares: Admixed American, 0.0017%; no homozygotes.

Submission:

Labcorp Genetics (formerly Invitae), Labcorp
Classification: Uncertain significance. Last evaluated: 2025-02-10. Review status: criteria provided, single submitter. Criteria: Invitae Variant Classification Sherloc (09022015). Collection method: clinical testing. Allele origin: germline.
Comment: This sequence change falls in intron 10 of the PRPF8 gene. It does not directly change the encoded amino acid sequence of the PRPF8 protein. It affects a nucleotide within the consensus splice site. This variant is present in population databases (no rsID available, gnomAD 0.003%). This variant has not been reported in the literature in individuals affected with PRPF8-related conditions. ClinVar contains an entry for this variant (Variation ID: 1052923). Variants that disrupt the consensus splice site are a relatively common cause of aberrant splicing (PMID: 17576681, 9536098). Algorithms developed to predict the effect of sequence changes on RNA splicing suggest that this variant is not likely to affect RNA splicing. In summary, the available evidence is currently insufficient to determine the role of this variant in disease. Therefore, it has been classified as a Variant of Uncertain Significance.

Literature cited by the submitters: PubMed 17576681; PubMed 9536098.

NM_006445.4(PRPF8):c.1409+3A>G

Gene: PRPF8 (pre-mRNA processing factor 8; minus strand). Cytogenetic location: 17p13.3.
Variant type: single nucleotide variant.
Coding change: c.1409+3A>G on transcript NM_006445.4 (MANE Select); 3 bases into the intron after coding-DNA position 1409, A replaced by G.
Molecular consequence: intron variant.
Genome position (GRCh38, 1-based): chr17:1,679,288, T>C on the plus strand (A>G on the coding strand, the complement: PRPF8 is on the minus strand). VCF-style: chr17-1679288-T-C. GRCh37 (hg19) VCF-style: chr17-1582582-T-C.
Identifiers: ClinVar variation 1052923 (VCV001052923.5), dbSNP rs1267501512, ClinGen allele CA624565338.